The following is an entry in ClinVar:

ClinVar aggregate classification (germline): Uncertain significance (1 of 4 stars; one submission).

Conditions:
Congenital disorder of glycosylation, type Iaa. Also called: Congenital disorder of glycosylation, type 1aa. Identifiers: MedGen C4310727, MONDO:0014904, OMIM 617082.

Allele frequency attached by ClinVar (database versions not stated): gnomAD exomes 0.00001; TOPMed 0.00001; gnomAD 0.00001; ExAC 0.00002.
gnomAD v4.1: 21 of 1,612,666 alleles (0.0013%); highest among the groups gnomAD compares: East Asian, 0.038%; no homozygotes.

Submission:

Labcorp Genetics (formerly Invitae), Labcorp
Classification: Uncertain significance for Congenital disorder of glycosylation, type Iaa. Last evaluated: 2024-04-10. Review status: criteria provided, single submitter. Criteria: Invitae Variant Classification Sherloc (09022015). Collection method: clinical testing. Allele origin: germline.
Comment: This sequence change replaces isoleucine, which is neutral and non-polar, with valine, which is neutral and non-polar, at codon 200 of the NUS1 protein (p.Ile200Val). This variant is present in population databases (rs751755046, gnomAD 0.02%). This variant has not been reported in the literature in individuals affected with NUS1-related conditions. An algorithm developed to predict the effect of missense changes on protein structure and function (PolyPhen-2) suggests that this variant is likely to be tolerated. In summary, the available evidence is currently insufficient to determine the role of this variant in disease. Therefore, it has been classified as a Variant of Uncertain Significance.

NM_138459.5(NUS1):c.598A>G (p.Ile200Val)

Gene: NUS1 (NUS1 dehydrodolichyl diphosphate synthase subunit; plus strand). Cytogenetic location: 6q22.1.
Variant type: single nucleotide variant.
Coding change: c.598A>G on transcript NM_138459.5 (MANE Select); coding-DNA position 598, A replaced by G.
Protein change: p.Ile200Val; replaces isoleucine 200 with valine.
Molecular consequence: missense variant.
Genome position (GRCh38, 1-based): chr6:117,694,087, A>G. VCF-style: chr6-117694087-A-G. GRCh37 (hg19) VCF-style: chr6-118015250-A-G.
Other names: short protein forms I200V.
Identifiers: ClinVar variation 3008210 (VCV003008210.3), dbSNP rs751755046, ClinGen allele CA3977148.